The following is an entry in ClinVar:

ClinVar aggregate classification (germline): Benign. Review status: criteria provided, multiple submitters, no conflicts (2 of 4 stars). 13 submissions from 13 submitters: Benign (10). 3 of the submissions do not count toward it. Last evaluated 2026-02-04.

Conditions:
Microcephaly 1, primary, autosomal recessive (MCPH1). Also called: PREMATURE CHROMOSOME CONDENSATION SYNDROME; PCC SYNDROME; PREMATURE CHROMOSOME CONDENSATION WITH MICROCEPHALY AND MENTAL RETARDATION. Identifiers: Orphanet 2512, MedGen C1855081, MONDO:0009617, OMIM 251200.

Allele frequency attached by ClinVar (database versions not stated): 1000 Genomes Project 30x 0.67333; 1000 Genomes Project 0.67812; TOPMed 0.68601; gnomAD 0.69651 and 0.70118; ESP Exome Variant Server 0.69797; ExAC 0.77190; gnomAD exomes 0.77931.
gnomAD v4.1: 1,260,771 of 1,612,258 alleles (78%); highest among the groups gnomAD compares: Admixed American, 84%; 498,967 homozygotes.

Submissions (13):

Labcorp Genetics (formerly Invitae), Labcorp
Classification: Benign. Last evaluated: 2026-02-04. Review status: criteria provided, single submitter. Criteria: Invitae Variant Classification Sherloc (09022015). Collection method: clinical testing. Allele origin: germline.

Women's Health and Genetics/Laboratory Corporation of America, LabCorp
Classification: Benign. Last evaluated: 2025-11-25. Review status: criteria provided, single submitter. Criteria: LabCorp Variant Classification Summary - May 2015. Collection method: clinical testing. Allele origin: germline.

Blueprint Genetics
Classification: Benign. Last evaluated: 2024-11-27. Review status: criteria provided, single submitter. Criteria: ACMG Guidelines, 2015. Collection method: clinical testing. Allele origin: germline.

Genome-Nilou Lab
Classification: Benign for Microcephaly 1, primary, autosomal recessive. Last evaluated: 2021-09-05. Review status: criteria provided, single submitter. Criteria: ACMG Guidelines, 2015. Collection method: clinical testing. Allele origin: germline. Affected: no.

Illumina Laboratory Services, Illumina
Classification: Benign for Microcephaly 1, primary, autosomal recessive. Last evaluated: 2018-01-13. Review status: criteria provided, single submitter. Criteria: ICSL Variant Classification Criteria 13 December 2019. Collection method: clinical testing. Allele origin: germline.
Comment: This variant was observed in the ICSL laboratory as part of a predisposition screen in an ostensibly healthy population. It had not been previously curated by ICSL or reported in the Human Gene Mutation Database (HGMD: prior to June 1st, 2018), and was therefore a candidate for classification through an automated scoring system. Utilizing variant allele frequency, disease prevalence and penetrance estimates, and inheritance mode, an automated score was calculated to assess if this variant is too frequent to cause the disease. Based on the score and internal cut-off values, a variant classified as benign is not then subjected to further curation. The score for this variant resulted in a classification of benign for this disease.

Athena Diagnostics
Classification: Benign. Last evaluated: 2017-08-02. Review status: criteria provided, single submitter. Criteria: Athena Diagnostics Criteria. Collection method: clinical testing. Allele origin: germline.

Clinical Genetics DNA and cytogenetics Diagnostics Lab, Erasmus MC, Erasmus Medical Center
Classification: Benign for Microcephaly 1, primary, autosomal recessive. Last evaluated: 2017-06-28. Review status: criteria provided, single submitter. Criteria: ACGS Guidelines, 2013. Collection method: clinical testing. Allele origin: germline. Affected: yes. Study: VKGL Data-share Consensus.

GeneDx
Classification: Benign. Last evaluated: 2015-03-03. Review status: criteria provided, single submitter. Criteria: GeneDx Variant Classification Process June 2021. Collection method: clinical testing. Allele origin: germline. Affected: yes.

PreventionGenetics, part of Exact Sciences
Classification: Benign. Last evaluated: 2013-10-21. Review status: criteria provided, single submitter. Criteria: ACMG Guidelines, 2015. Collection method: clinical testing. Allele origin: germline.

Breakthrough Genomics
Classification: Benign. Review status: criteria provided, single submitter. Criteria: ACMG Guidelines, 2015. Collection method: not provided. Allele origin: germline. Inheritance: Autosomal recessive inheritance. Affected: yes.

Diagnostic Laboratory, Department of Genetics, University Medical Center Groningen
Classification: Benign for Microcephaly 1, primary, autosomal recessive. Review status: no assertion criteria provided. Collection method: clinical testing. Allele origin: germline. Affected: yes. Study: VKGL Data-share Consensus. Not counted in ClinVar's aggregate classification.

Genetic Services Laboratory, University of Chicago
Classification: Likely benign. Review status: no assertion criteria provided. Collection method: clinical testing. Allele origin: germline. Inheritance: Autosomal recessive inheritance. Not counted in ClinVar's aggregate classification.
Comment: Likely benign based on allele frequency in 1000 Genomes Project or ESP global frequency and its presence in a patient with a rare or unrelated disease phenotype. NOT Sanger confirmed

Joint Genome Diagnostic Labs from Nijmegen and Maastricht, Radboudumc and MUMC+
Classification: Benign. Review status: no assertion criteria provided. Collection method: clinical testing. Allele origin: germline. Affected: yes. Study: VKGL Data-share Consensus. Not counted in ClinVar's aggregate classification.

NM_024596.5(MCPH1):c.228G>T (p.Val76=)

Gene: MCPH1 (microcephalin 1; plus strand). Cytogenetic location: 8p23.1.
Variant type: single nucleotide variant.
Coding change: c.228G>T on transcript NM_024596.5 (MANE Select); coding-DNA position 228, G replaced by T.
Protein change: p.Val76=; no amino-acid change (valine 76 retained).
Molecular consequence: synonymous variant. On other transcripts: non-coding transcript variant (1).
Genome position (GRCh38, 1-based): chr8:6,414,878, G>T. VCF-style: chr8-6414878-G-T. GRCh37 (hg19) VCF-style: chr8-6272399-G-T.
Other names: c.228G>T, p.Val76= (NM_001172574.2, NM_001172575.2, NM_001322042.2 and 2 more transcripts); c.222G>T, p.Val74= (NM_001322043.2); c.126G>T, p.Val42= (NM_001322045.2).
Identifiers: ClinVar variation 158851 (VCV000158851.27), dbSNP rs2305022, ClinGen allele CA172523.